The following is an entry in ClinVar:

NM_001369.3(DNAH5):c.4619_4620insGAGACAGT (p.Glu1541fs)

Genes: DNAH5 (dynein axonemal heavy chain 5; minus strand), DNAH5-AS1 (DNAH5 antisense RNA 1; plus strand). Cytogenetic location: 5p15.2.
Variant type: Insertion.
Coding change: c.4619_4620insGAGACAGT on transcript NM_001369.3 (MANE Select); coding-DNA positions 4619 to 4620, GAGACAGT inserted.
Protein change: p.Glu1541fs; shifts the reading frame from glutamic acid 1541.
Molecular consequence: frameshift variant.
Genome position: GRCh38 VCF-style: chr5-13862724-T-TACTGTCTC. GRCh37 (hg19) VCF-style: chr5-13862833-T-TACTGTCTC.
Other names: short protein forms E1541fs.
Identifiers: ClinVar variation 5010897 (VCV005010897.1).
Genomic context (GRCh38, chr5:13,862,724, plus strand): 5'-GAATGTTTTATTGTCCCATTCATTAATCACTTGCTTCAGCTTTTGCTCAATGTCTCTCTC[T>TACTGTCTC]TTCACCGCACTGATACAGATGTCCTATCAAAATGGCAAGCTCTCATGTTATTGCATGAAA-3'

ClinVar aggregate classification (germline): Pathogenic (1 of 4 stars; one submission).

Conditions:
Primary ciliary dyskinesia 3. Identifiers: Orphanet 244, MedGen C1837618, MONDO:0012085, OMIM 608644.

Submission:

Myriad Genetics, Inc.
Classification: Pathogenic for Primary ciliary dyskinesia 3. Last evaluated: 2024-05-14. Review status: criteria provided, single submitter. Criteria: Myriad Autosomal Dominant, Autosomal Recessive and X-Linked Classification Criteria (2023). Collection method: clinical testing. Allele origin: unknown.
Comment: NM_001369.2(DNAH5):c.4619_4620ins8(E1541Rfs*3) is expected to be pathogenic in the context of primary ciliary dyskinesia, DNAH5-related. This variant is predicted to lead to an abnormal or absent protein product due to the creation of a premature termination codon in DNAH5, a gene where loss-of-function variants are known to be pathogenic. Please note: this variant was assessed in the context of healthy population screening.